The following is an entry in ClinVar:

NM_031935.3(HMCN1):c.4918A>G (p.Met1640Val)

Gene: HMCN1 (hemicentin 1; plus strand). Cytogenetic location: 1q31.1.
Variant type: single nucleotide variant.
Coding change: c.4918A>G on transcript NM_031935.3 (MANE Select); coding-DNA position 4918, A replaced by G.
Protein change: p.Met1640Val; replaces methionine 1640 with valine.
Molecular consequence: missense variant.
Genome position (GRCh38, 1-based): chr1:186,015,966, A>G. VCF-style: chr1-186015966-A-G. GRCh37 (hg19) VCF-style: chr1-185985098-A-G.
Other names: short protein forms M1640V.
Identifiers: ClinVar variation 4696375 (VCV004696375.1).

ClinVar aggregate classification (germline): Uncertain significance (1 of 4 stars; one submission).

Submission:

Labcorp Genetics (formerly Invitae), Labcorp
Classification: Uncertain significance. Last evaluated: 2025-10-11. Review status: criteria provided, single submitter. Criteria: Invitae Variant Classification Sherloc (09022015). Collection method: clinical testing. Allele origin: germline.
Comment: This sequence change replaces methionine, which is neutral and non-polar, with valine, which is neutral and non-polar, at codon 1640 of the HMCN1 protein (p.Met1640Val). This variant is present in population databases (no rsID available, gnomAD 0.01%). This variant has not been reported in the literature in individuals affected with HMCN1-related conditions. An algorithm developed to predict the effect of missense changes on protein structure and function outputs the following: PolyPhen-2: "Benign". The valine amino acid residue is found in multiple mammalian species, which suggests that this missense change does not adversely affect protein function. In summary, the available evidence is currently insufficient to determine the role of this variant in disease. Therefore, it has been classified as a Variant of Uncertain Significance.